The following is an entry in ClinVar:

ClinVar aggregate classification (germline): Likely pathogenic (1 of 4 stars; one submission).

Conditions:
Telangiectasia, hereditary hemorrhagic, type 2 (HHT2). Also called: ACVRL1-Related Hereditary Hemorrhagic Telangiectasia; Telangiectasia, hereditary hemorrhagic, type II. Identifiers: Orphanet 774, MedGen C1838163, MONDO:0010880, OMIM 600376. Disease mechanism: loss of function.

Submission:

Juno Genomics, Hangzhou Juno Genomics, Inc
Classification: Likely pathogenic for Telangiectasia, hereditary hemorrhagic, type 2. Review status: criteria provided, single submitter. Criteria: ACMG Guidelines, 2015. Collection method: clinical testing. Allele origin: germline. Affected: yes.
Comment: Absent from controls (or at extremely low frequency if recessive) in Genome Aggregation Database, Exome Sequencing Project, 1000 Genomes Project, or Exome Aggregation Consortium.;Well-established in vitro or in vivo functional studies supportive of a damaging effect on the gene or gene product.;Co-segregation with disease in multiple affected family members in a gene definitively known to cause the disease.;Patient's phenotype or family history is highly specific for a disease with a single genetic etiology.

NM_000020.3(ACVRL1):c.525+3A>T

Gene: ACVRL1 (activin A receptor like type 1; plus strand). Cytogenetic location: 12q13.13.
Variant type: single nucleotide variant.
Coding change: c.525+3A>T on transcript NM_000020.3 (MANE Select); 3 bases into the intron after coding-DNA position 525, A replaced by T.
Molecular consequence: intron variant.
Genome position (GRCh38, 1-based): chr12:51,913,773, A>T. VCF-style: chr12-51913773-A-T. GRCh37 (hg19) VCF-style: chr12-52307557-A-T.
Other names: c.525+3A>T (NM_001406487.1, NM_001406488.1, NM_001077401.2 and 1 more transcripts); c.313+423A>T (NM_001406491.1, NM_001406490.1, NM_001406492.1 and 2 more transcripts); c.62-666A>T (NM_001406495.1).
Identifiers: ClinVar variation 3382906 (VCV003382906.2).